The following is an entry in ClinVar:

ClinVar aggregate classification (germline): Conflicting classifications of pathogenicity. Review status: criteria provided, conflicting classifications (1 of 4 stars). 3 submissions from 3 submitters: Uncertain significance (2); Likely benign (1). Last evaluated 2022-04-16.

Conditions:
Progressive sclerosing poliodystrophy (MTDPS4A). Also called: Mitochondrial DNA depletion syndrome 4A (Alpers type); Mitochondrial DNA Depletion Syndrome 4A; Alpers Syndrome; ALPERS DIFFUSE DEGENERATION OF CEREBRAL GRAY MATTER WITH HEPATIC CIRRHOSIS; Alpers-Huttenlocher Syndrome; ALPERS PROGRESSIVE INFANTILE POLIODYSTROPHY. Identifiers: Orphanet 726, MedGen C0205710, MONDO:0008758, OMIM 203700.

Allele frequency attached by ClinVar (database versions not stated): gnomAD 0.00001.
gnomAD v4.1: 1 of 1,612,848 alleles (0.000062%); highest among the groups gnomAD compares: Admixed American, 0.0017%; no homozygotes.

Submissions (3):

Labcorp Genetics (formerly Invitae), Labcorp
Classification: Uncertain significance for Progressive sclerosing poliodystrophy. Last evaluated: 2022-04-16. Review status: criteria provided, single submitter. Criteria: Invitae Variant Classification Sherloc (09022015). Collection method: clinical testing. Allele origin: germline.
Comment: This sequence change affects codon 417 of the POLG mRNA. It is a 'silent' change, meaning that it does not change the encoded amino acid sequence of the POLG protein. This variant is not present in population databases (gnomAD no frequency). This variant has not been reported in the literature in individuals affected with POLG-related conditions. ClinVar contains an entry for this variant (Variation ID: 594345). Algorithms developed to predict the effect of sequence changes on RNA splicing suggest that this variant may create or strengthen a splice site. In summary, the available evidence is currently insufficient to determine the role of this variant in disease. Therefore, it has been classified as a Variant of Uncertain Significance.

Wong Mito Lab, Molecular and Human Genetics, Baylor College of Medicine
Classification: Likely benign for Progressive sclerosing poliodystrophy. Last evaluated: 2018-10-01. Review status: criteria provided, single submitter. Criteria: ACMG Guidelines, 2015. Collection method: clinical testing. Allele origin: germline.
Comment: The NM_002693.2:c.1251G>A (NP_002684.1:p.Arg417=) [GRCH38: NC_000015.10:g.89327349C>T] variant in POLG gene is interpretated to be a Likely Benign based on ACMG guidelines (PMID: 25741868). This variant meets the following evidence codes reported in the ACMG-guideline. BP4:Computational evidence/predictors indicate no impact on the POLG structure, function, or protein-protein interaction. BP7:The variant is silent with non predicted splice impact. Based on the evidence criteria codes applied, the variant is suggested to be Likely Benign.

Eurofins Ntd Llc (ga)
Classification: Uncertain significance. Last evaluated: 2017-10-02. Review status: criteria provided, single submitter. Criteria: EGL Classification Definitions 2015. Collection method: clinical testing. Allele origin: germline. Observed: 1 variant allele, 1 heterozygote.

NM_002693.3(POLG):c.1251G>A (p.Arg417=)

Gene: POLG (DNA polymerase gamma, catalytic subunit; minus strand). Cytogenetic location: 15q26.1.
Variant type: single nucleotide variant.
Coding change: c.1251G>A on transcript NM_002693.3 (MANE Select); coding-DNA position 1251, G replaced by A.
Protein change: p.Arg417=; no amino-acid change (arginine 417 retained).
Molecular consequence: synonymous variant.
Genome position (GRCh38, 1-based): chr15:89,327,349, C>T on the plus strand (G>A on the coding strand, the complement: POLG is on the minus strand). VCF-style: chr15-89327349-C-T. GRCh37 (hg19) VCF-style: chr15-89870580-C-T.
Other names: c.1251G>A, p.Arg417= (NM_001126131.2).
Identifiers: ClinVar variation 594345 (VCV000594345.12), dbSNP rs1567191509, ClinGen allele CA10602185.